The following continues an entry in ClinVar:

NM_001098511.3(KIF2A):c.1761-11T>C

Gene: KIF2A. ClinVar aggregate classification (germline): Benign. Benign (3).

Submissions 32 to 76 of 76:

Dr. Peter K. Rogan Lab, Western University
No classification provided (evidence only). Condition: Nonpapillary renal cell carcinoma. Review status: no classification provided. Collection method: in vitro. Allele origin: not applicable. Functional consequence: retained intron. Not counted in ClinVar's aggregate classification.

Dr. Peter K. Rogan Lab, Western University
No classification provided (evidence only). Condition: Nonpapillary renal cell carcinoma. Review status: no classification provided. Collection method: in vitro. Allele origin: not applicable. Functional consequence: retained intron. Not counted in ClinVar's aggregate classification.

Dr. Peter K. Rogan Lab, Western University
No classification provided (evidence only). Condition: Familial pancreatic carcinoma. Review status: no classification provided. Collection method: in vitro. Allele origin: not applicable. Functional consequence: retained intron. Not counted in ClinVar's aggregate classification.

Dr. Peter K. Rogan Lab, Western University
No classification provided (evidence only). Condition: Familial pancreatic carcinoma. Review status: no classification provided. Collection method: in vitro. Allele origin: not applicable. Functional consequence: retained intron. Not counted in ClinVar's aggregate classification.

Dr. Peter K. Rogan Lab, Western University
No classification provided (evidence only). Condition: Familial pancreatic carcinoma. Review status: no classification provided. Collection method: in vitro. Allele origin: not applicable. Functional consequence: retained intron. Not counted in ClinVar's aggregate classification.

Dr. Peter K. Rogan Lab, Western University
No classification provided (evidence only). Condition: Familial pancreatic carcinoma. Review status: no classification provided. Collection method: in vitro. Allele origin: not applicable. Functional consequence: retained intron. Not counted in ClinVar's aggregate classification.

Dr. Peter K. Rogan Lab, Western University
No classification provided (evidence only). Condition: Familial pancreatic carcinoma. Review status: no classification provided. Collection method: in vitro. Allele origin: not applicable. Functional consequence: retained intron. Not counted in ClinVar's aggregate classification.

Dr. Peter K. Rogan Lab, Western University
No classification provided (evidence only). Condition: Familial pancreatic carcinoma. Review status: no classification provided. Collection method: in vitro. Allele origin: not applicable. Functional consequence: retained intron. Not counted in ClinVar's aggregate classification.

Dr. Peter K. Rogan Lab, Western University
No classification provided (evidence only). Condition: Familial pancreatic carcinoma. Review status: no classification provided. Collection method: in vitro. Allele origin: not applicable. Functional consequence: retained intron. Not counted in ClinVar's aggregate classification.

Dr. Peter K. Rogan Lab, Western University
No classification provided (evidence only). Condition: Familial pancreatic carcinoma. Review status: no classification provided. Collection method: in vitro. Allele origin: not applicable. Functional consequence: retained intron. Not counted in ClinVar's aggregate classification.

Dr. Peter K. Rogan Lab, Western University
No classification provided (evidence only). Condition: Familial pancreatic carcinoma. Review status: no classification provided. Collection method: in vitro. Allele origin: not applicable. Functional consequence: retained intron. Not counted in ClinVar's aggregate classification.

Dr. Peter K. Rogan Lab, Western University
No classification provided (evidence only). Condition: Hepatocellular carcinoma. Review status: no classification provided. Collection method: in vitro. Allele origin: not applicable. Functional consequence: retained intron. Not counted in ClinVar's aggregate classification.

Dr. Peter K. Rogan Lab, Western University
No classification provided (evidence only). Condition: Hepatocellular carcinoma. Review status: no classification provided. Collection method: in vitro. Allele origin: not applicable. Functional consequence: retained intron. Not counted in ClinVar's aggregate classification.

Dr. Peter K. Rogan Lab, Western University
No classification provided (evidence only). Condition: Hepatocellular carcinoma. Review status: no classification provided. Collection method: in vitro. Allele origin: not applicable. Functional consequence: retained intron. Not counted in ClinVar's aggregate classification.

Dr. Peter K. Rogan Lab, Western University
No classification provided (evidence only). Condition: Hepatocellular carcinoma. Review status: no classification provided. Collection method: in vitro. Allele origin: not applicable. Functional consequence: retained intron. Not counted in ClinVar's aggregate classification.

Dr. Peter K. Rogan Lab, Western University
No classification provided (evidence only). Condition: Hepatocellular carcinoma. Review status: no classification provided. Collection method: in vitro. Allele origin: not applicable. Functional consequence: retained intron. Not counted in ClinVar's aggregate classification.

Dr. Peter K. Rogan Lab, Western University
No classification provided (evidence only). Condition: Hepatocellular carcinoma. Review status: no classification provided. Collection method: in vitro. Allele origin: not applicable. Functional consequence: retained intron. Not counted in ClinVar's aggregate classification.

Dr. Peter K. Rogan Lab, Western University
No classification provided (evidence only). Condition: Hepatocellular carcinoma. Review status: no classification provided. Collection method: in vitro. Allele origin: not applicable. Functional consequence: retained intron. Not counted in ClinVar's aggregate classification.

Dr. Peter K. Rogan Lab, Western University
No classification provided (evidence only). Condition: Hepatocellular carcinoma. Review status: no classification provided. Collection method: in vitro. Allele origin: not applicable. Functional consequence: retained intron. Not counted in ClinVar's aggregate classification.

Dr. Peter K. Rogan Lab, Western University
No classification provided (evidence only). Condition: Hepatocellular carcinoma. Review status: no classification provided. Collection method: in vitro. Allele origin: not applicable. Functional consequence: retained intron. Not counted in ClinVar's aggregate classification.

Dr. Peter K. Rogan Lab, Western University
No classification provided (evidence only). Condition: Hepatocellular carcinoma. Review status: no classification provided. Collection method: in vitro. Allele origin: not applicable. Functional consequence: retained intron. Not counted in ClinVar's aggregate classification.

Dr. Peter K. Rogan Lab, Western University
No classification provided (evidence only). Condition: Hepatocellular carcinoma. Review status: no classification provided. Collection method: in vitro. Allele origin: not applicable. Functional consequence: retained intron. Not counted in ClinVar's aggregate classification.

Dr. Peter K. Rogan Lab, Western University
No classification provided (evidence only). Condition: Hepatocellular carcinoma. Review status: no classification provided. Collection method: in vitro. Allele origin: not applicable. Functional consequence: retained intron. Not counted in ClinVar's aggregate classification.

Dr. Peter K. Rogan Lab, Western University
No classification provided (evidence only). Condition: Hepatocellular carcinoma. Review status: no classification provided. Collection method: in vitro. Allele origin: not applicable. Functional consequence: retained intron. Not counted in ClinVar's aggregate classification.

Dr. Peter K. Rogan Lab, Western University
No classification provided (evidence only). Condition: Hepatocellular carcinoma. Review status: no classification provided. Collection method: in vitro. Allele origin: not applicable. Functional consequence: retained intron. Not counted in ClinVar's aggregate classification.

Dr. Peter K. Rogan Lab, Western University
No classification provided (evidence only). Condition: Hepatocellular carcinoma. Review status: no classification provided. Collection method: in vitro. Allele origin: not applicable. Functional consequence: retained intron. Not counted in ClinVar's aggregate classification.

Dr. Peter K. Rogan Lab, Western University
No classification provided (evidence only). Condition: Hepatocellular carcinoma. Review status: no classification provided. Collection method: in vitro. Allele origin: not applicable. Functional consequence: retained intron. Not counted in ClinVar's aggregate classification.

Dr. Peter K. Rogan Lab, Western University
No classification provided (evidence only). Condition: Lymphoma. Review status: no classification provided. Collection method: in vitro. Allele origin: not applicable. Functional consequence: retained intron. Not counted in ClinVar's aggregate classification.

Dr. Peter K. Rogan Lab, Western University
No classification provided (evidence only). Condition: Lymphoma. Review status: no classification provided. Collection method: in vitro. Allele origin: not applicable. Functional consequence: retained intron. Not counted in ClinVar's aggregate classification.

Dr. Peter K. Rogan Lab, Western University
No classification provided (evidence only). Condition: Lymphoma. Review status: no classification provided. Collection method: in vitro. Allele origin: not applicable. Functional consequence: retained intron. Not counted in ClinVar's aggregate classification.

Dr. Peter K. Rogan Lab, Western University
No classification provided (evidence only). Condition: Lymphoma. Review status: no classification provided. Collection method: in vitro. Allele origin: not applicable. Functional consequence: retained intron. Not counted in ClinVar's aggregate classification.

Dr. Peter K. Rogan Lab, Western University
No classification provided (evidence only). Condition: Lymphoma. Review status: no classification provided. Collection method: in vitro. Allele origin: not applicable. Functional consequence: retained intron. Not counted in ClinVar's aggregate classification.

Dr. Peter K. Rogan Lab, Western University
No classification provided (evidence only). Condition: Lymphoma. Review status: no classification provided. Collection method: in vitro. Allele origin: not applicable. Functional consequence: retained intron. Not counted in ClinVar's aggregate classification.

Dr. Peter K. Rogan Lab, Western University
No classification provided (evidence only). Condition: Lymphoma. Review status: no classification provided. Collection method: in vitro. Allele origin: not applicable. Functional consequence: retained intron. Not counted in ClinVar's aggregate classification.

Dr. Peter K. Rogan Lab, Western University
No classification provided (evidence only). Condition: Lymphoma. Review status: no classification provided. Collection method: in vitro. Allele origin: not applicable. Functional consequence: retained intron. Not counted in ClinVar's aggregate classification.

Dr. Peter K. Rogan Lab, Western University
No classification provided (evidence only). Condition: Lymphoma. Review status: no classification provided. Collection method: in vitro. Allele origin: not applicable. Functional consequence: retained intron. Not counted in ClinVar's aggregate classification.

Dr. Peter K. Rogan Lab, Western University
No classification provided (evidence only). Condition: Lymphoma. Review status: no classification provided. Collection method: in vitro. Allele origin: not applicable. Functional consequence: retained intron. Not counted in ClinVar's aggregate classification.

Dr. Peter K. Rogan Lab, Western University
No classification provided (evidence only). Condition: Lymphoma. Review status: no classification provided. Collection method: in vitro. Allele origin: not applicable. Functional consequence: retained intron. Not counted in ClinVar's aggregate classification.

Dr. Peter K. Rogan Lab, Western University
No classification provided (evidence only). Condition: Lymphoma. Review status: no classification provided. Collection method: in vitro. Allele origin: not applicable. Functional consequence: retained intron. Not counted in ClinVar's aggregate classification.

Dr. Peter K. Rogan Lab, Western University
No classification provided (evidence only). Condition: Ovarian cancer. Review status: no classification provided. Collection method: in vitro. Allele origin: not applicable. Functional consequence: retained intron. Not counted in ClinVar's aggregate classification.

Dr. Peter K. Rogan Lab, Western University
No classification provided (evidence only). Condition: Ovarian cancer. Review status: no classification provided. Collection method: in vitro. Allele origin: not applicable. Functional consequence: retained intron. Not counted in ClinVar's aggregate classification.

Dr. Peter K. Rogan Lab, Western University
No classification provided (evidence only). Condition: Ovarian cancer. Review status: no classification provided. Collection method: in vitro. Allele origin: not applicable. Functional consequence: retained intron. Not counted in ClinVar's aggregate classification.

Dr. Peter K. Rogan Lab, Western University
No classification provided (evidence only). Condition: Ovarian cancer. Review status: no classification provided. Collection method: in vitro. Allele origin: not applicable. Functional consequence: retained intron. Not counted in ClinVar's aggregate classification.

Dr. Peter K. Rogan Lab, Western University
No classification provided (evidence only). Condition: Ovarian cancer. Review status: no classification provided. Collection method: in vitro. Allele origin: not applicable. Functional consequence: retained intron. Not counted in ClinVar's aggregate classification.

Dr. Peter K. Rogan Lab, Western University
No classification provided (evidence only). Condition: Ovarian cancer. Review status: no classification provided. Collection method: in vitro. Allele origin: not applicable. Functional consequence: retained intron. Not counted in ClinVar's aggregate classification.